The following is an entry in ClinVar:

NM_001008537.3(NEXMIF):c.1653G>C (p.Glu551Asp)

Gene: NEXMIF (neurite extension and migration factor; minus strand). Cytogenetic location: Xq13.3.
Variant type: single nucleotide variant.
Coding change: c.1653G>C on transcript NM_001008537.3 (MANE Select); coding-DNA position 1653, G replaced by C.
Protein change: p.Glu551Asp; replaces glutamic acid 551 with aspartic acid.
Molecular consequence: missense variant.
Genome position (GRCh38, 1-based): chrX:74,742,904, C>G on the plus strand (G>C on the coding strand, the complement: NEXMIF is on the minus strand). VCF-style: chrX-74742904-C-G. GRCh37 (hg19) VCF-style: chrX-73962739-C-G.
Other names: short protein forms E551D.
Identifiers: ClinVar variation 4995174 (VCV004995174.1).

ClinVar aggregate classification (germline): Uncertain significance (1 of 4 stars; one submission).

Conditions:
NEXMIF-related disorder. Also called: NEXMIF-related condition.

Submission:

PreventionGenetics, part of Exact Sciences
Classification: Uncertain significance for NEXMIF-related condition. Last evaluated: 2026-05-20. Review status: criteria provided, single submitter. Criteria: ACMG Guidelines, 2015. Collection method: clinical testing. Allele origin: germline.
Comment: The NEXMIF c.1653G>C variant is predicted to result in the amino acid substitution p.Glu551Asp. To our knowledge, this variant has not been reported in the literature or in a large population database (gnomAD), indicating this variant is rare. At this time, the clinical significance of this variant is uncertain due to the absence of conclusive functional and genetic evidence.